The following is an entry in ClinVar:

ClinVar aggregate classification (germline): Likely benign. Review status: criteria provided, multiple submitters, no conflicts (2 of 4 stars). 2 submissions from 2 submitters: Likely benign (2). Last evaluated 2025-08-01.

Conditions:
Wilms tumor 1 (WT1). Also called: Wilms tumor, somatic. Identifiers: Orphanet 654, MedGen CN033288, MONDO:0008679, OMIM 194070.

Allele frequency attached by ClinVar (database versions not stated): TOPMed below 0.00001.

Submissions (2):

CeGaT Center for Human Genetics Tuebingen
Classification: Likely benign. Last evaluated: 2025-08-01. Review status: criteria provided, single submitter. Criteria: CeGaT Center For Human Genetics Tuebingen Variant Classification Criteria Version 2. Collection method: clinical testing. Allele origin: germline. Affected: yes. Observed: 1 variant allele.
Comment: WT1: PM2:Supporting, BP4, BP7

All of Us Research Program, National Institutes of Health
Classification: Likely benign for Wilms tumor 1. Last evaluated: 2023-09-17. Review status: criteria provided, single submitter. Criteria: ACMG Guidelines, 2015. Collection method: clinical testing. Allele origin: germline. Inheritance: Autosomal dominant inheritance. Observed: 1 variant allele, 1 heterozygote.
Comment: This study involves interpretation of variants in research participants for the purpose of population health screening. Participant phenotype was not available at the time of variant classification. Additional details can be found in publication PMID: 35346344, PMCID: PMC8962531

NM_024426.6(WT1):c.801G>C (p.Ser267=)

Gene: WT1 (WT1 transcription factor; minus strand). Cytogenetic location: 11p13.
Variant type: single nucleotide variant.
Coding change: c.801G>C on transcript NM_024426.6 (MANE Select); coding-DNA position 801, G replaced by C.
Protein change: p.Ser267=; no amino-acid change (serine 267 retained).
Molecular consequence: synonymous variant. On other transcripts: non-coding transcript variant (2).
Genome position (GRCh38, 1-based): chr11:32,428,042, C>G on the plus strand (G>C on the coding strand, the complement: WT1 is on the minus strand). VCF-style: chr11-32428042-C-G. GRCh37 (hg19) VCF-style: chr11-32449588-C-G.
Other names: c.801G>C, p.Ser267= (NM_000378.6, NM_001407044.1, NM_001407045.1 and 4 more transcripts); c.150G>C, p.Ser50= (NM_001198551.2, NM_001198552.2); c.678G>C, p.Ser226= (NM_001407047.1, NM_001407050.1); c.39G>C, p.Ser13= (NM_001407051.1); c.582G>C, p.Ser194= (NM_001429031.1, NM_001429032.1, NM_001429033.1 and 1 more transcripts); c.786G>C, p.Ser262= (NM_024425.2).
Identifiers: ClinVar variation 3073451 (VCV003073451.9), dbSNP rs1053743552, ClinGen allele CA219502916.
Genomic context (GRCh38, chr11:32,428,042, plus strand): 5'-AGCCTGGCTGCCGGTGCAGCTGTCGGTGGGGGTGTGGCAGCCATAGACCGGGGGCGGCAC[C>G]GAGTACTGCTGCTCACCTGCAGAGAGAACCGAAGACAGCTGAGCGAGTGCGCCCCAAGGG-3'
Protein context (NP_077744.4, residues 257-277): QQGSLGEQQY[Ser267=]VPPPVYGCHT